The following is an entry in ClinVar:

ClinVar aggregate classification (germline): Pathogenic (1 of 4 stars; one submission).

Conditions:
Exostoses, multiple, type 2 (EXT2). Also called: Hereditary Multiple Osteochondromatosis, Type II; EXOSTOSES, MULTIPLE, TYPE II. Identifiers: Orphanet 321, MedGen C1851413, MONDO:0007586, OMIM 133701.

Submission:

Labcorp Genetics (formerly Invitae), Labcorp
Classification: Pathogenic for Exostoses, multiple, type 2. Last evaluated: 2019-07-02. Review status: criteria provided, single submitter. Criteria: Invitae Variant Classification Sherloc (09022015). Collection method: clinical testing. Allele origin: germline.
Comment: Donor and acceptor splice site variants typically lead to a loss of protein function (PMID: 16199547), and loss-of-function variants in EXT2 are known to be pathogenic (PMID: 10679937, 19810120). For these reasons, this variant has been classified as Pathogenic. Algorithms developed to predict the effect of sequence changes on RNA splicing suggest that this variant may disrupt the consensus splice site, but this prediction has not been confirmed by published transcriptional studies. This sequence change affects a donor splice site in intron 2 of the EXT2 gene. It is expected to disrupt RNA splicing and likely results in an absent or disrupted protein product. This variant is not present in population databases (ExAC no frequency). Disruption of this splice site has been observed in an individual with multiple osteochondromas (PMID: 10713884).

Literature cited by the submitters: PubMed 16199547; PubMed 10679937; PubMed 19810120; PubMed 10713884.

NM_207122.2(EXT2):c.536+1G>C

Gene: EXT2 (exostosin glycosyltransferase 2; plus strand). Cytogenetic location: 11p11.2.
Variant type: single nucleotide variant.
Coding change: c.536+1G>C on transcript NM_207122.2 (MANE Select); the canonical splice donor site of the intron after coding-DNA position 536, G replaced by C.
Molecular consequence: splice donor variant.
Genome position (GRCh38, 1-based): chr11:44,108,249, G>C. VCF-style: chr11-44108249-G-C. GRCh37 (hg19) VCF-style: chr11-44129799-G-C.
Other names: c.536+1G>C (NM_001389630.1, NM_001178083.3, NM_001389628.1); c.635+1G>C (NM_000401.3).
Identifiers: ClinVar variation 963127 (VCV000963127.10), dbSNP rs1954091762, ClinGen allele CA380180550.